The following is an entry in ClinVar:

ClinVar aggregate classification (germline): Uncertain significance (1 of 4 stars; one submission).

Conditions:
Familial thoracic aortic aneurysm and aortic dissection (TAAD). Also called: Thoracic aortic aneurysms and dissections. Identifiers: Orphanet 91387, MedGen C4707243, MONDO:0019625.

Submission:

Color Diagnostics, LLC DBA Color Health
Classification: Uncertain significance for Familial thoracic aortic aneurysm and aortic dissection. Last evaluated: 2025-06-17. Review status: criteria provided, single submitter. Criteria: ACMG Guidelines, 2015. Collection method: clinical testing. Allele origin: germline.
Comment: This missense variant replaces aspartic acid with glutamic acid at codon 329 of the COL3A1 protein. Computational prediction suggests that this variant may not impact protein structure and function. To our knowledge, functional studies have not been reported for this variant. This variant has not been reported in individuals affected with COL3A1-related disorders in the literature. This variant has not been identified in the general population by the Genome Aggregation Database (gnomAD). The available evidence is insufficient to determine the role of this variant in disease conclusively. Therefore, this variant is classified as a Variant of Uncertain Significance.

NM_000090.4(COL3A1):c.987T>G (p.Asp329Glu)

Gene: COL3A1 (collagen type III alpha 1 chain; plus strand). Cytogenetic location: 2q32.2.
Variant type: single nucleotide variant.
Coding change: c.987T>G on transcript NM_000090.4 (MANE Select); coding-DNA position 987, T replaced by G.
Protein change: p.Asp329Glu; replaces aspartic acid 329 with glutamic acid.
Molecular consequence: missense variant.
Genome position (GRCh38, 1-based): chr2:188,992,219, T>G. VCF-style: chr2-188992219-T-G. GRCh37 (hg19) VCF-style: chr2-189856945-T-G.
Other names: short protein forms D329E.
Identifiers: ClinVar variation 4756941 (VCV004756941.1).